The following is an entry in ClinVar:

NM_003119.4(SPG7):c.1725G>C (p.Glu575Asp)

Gene: SPG7 (SPG7 matrix AAA peptidase subunit, paraplegin; plus strand). Cytogenetic location: 16q24.3.
Variant type: single nucleotide variant.
Coding change: c.1725G>C on transcript NM_003119.4 (MANE Select); coding-DNA position 1725, G replaced by C.
Protein change: p.Glu575Asp; replaces glutamic acid 575 with aspartic acid.
Molecular consequence: missense variant.
Genome position (GRCh38, 1-based): chr16:89,550,555, G>C. VCF-style: chr16-89550555-G-C. GRCh37 (hg19) VCF-style: chr16-89616963-G-C.
Other names: c.1725G>C, p.Glu575Asp (NM_001363850.1); short protein forms E575D.
Identifiers: ClinVar variation 4823704 (VCV004823704.4).

ClinVar aggregate classification (germline): Uncertain significance (1 of 4 stars; one submission).

Submission:

CeGaT Center for Human Genetics Tuebingen
Classification: Uncertain significance. Last evaluated: 2026-03-01. Review status: criteria provided, single submitter. Criteria: CeGaT Center For Human Genetics Tuebingen Variant Classification Criteria Version 2. Collection method: clinical testing. Allele origin: germline. Affected: yes. Observed: 1 variant allele.
Comment: SPG7: PM1, PM2, PM3:Supporting